The following is an entry in ClinVar:

NM_001206927.2(DNAH8):c.3787G>T (p.Glu1263Ter)

Gene: DNAH8 (dynein axonemal heavy chain 8; plus strand). Cytogenetic location: 6p21.2.
Variant type: single nucleotide variant.
Coding change: c.3787G>T on transcript NM_001206927.2 (MANE Select); coding-DNA position 3787, G replaced by T.
Protein change: p.Glu1263Ter; replaces glutamic acid 1263 with a stop codon.
Molecular consequence: nonsense.
Genome position (GRCh38, 1-based): chr6:38,823,628, G>T. VCF-style: chr6-38823628-G-T. GRCh37 (hg19) VCF-style: chr6-38791404-G-T.
Other names: c.3136G>T, p.Glu1046Ter (NM_001371.4); short protein forms E1263*, E1046*.
Identifiers: ClinVar variation 843938 (VCV000843938.8), dbSNP rs1416631904, ClinGen allele CA363992842.

ClinVar aggregate classification (germline): Pathogenic (1 of 4 stars; one submission).

Conditions:
Primary ciliary dyskinesia. Also called: Ciliary dyskinesia. Identifiers: Orphanet 244, MedGen C0008780, MONDO:0016575, HP:0012265.

Allele frequency attached by ClinVar (database versions not stated): gnomAD exomes below 0.00001; TOPMed below 0.00001.
gnomAD v4.1: 2 of 1,609,060 alleles (0.00012%); highest among the groups gnomAD compares: Admixed American, 0.0017%; no homozygotes.

Submission:

Labcorp Genetics (formerly Invitae), Labcorp
Classification: Pathogenic for Primary ciliary dyskinesia. Last evaluated: 2019-01-11. Review status: criteria provided, single submitter. Criteria: Invitae Variant Classification Sherloc (09022015). Collection method: clinical testing. Allele origin: germline.
Comment: This sequence change creates a premature translational stop signal (p.Glu1263*) in the DNAH8 gene. It is expected to result in an absent or disrupted protein product. This variant is not present in population databases (ExAC no frequency). This variant has not been reported in the literature in individuals with DNAH8-related conditions. Loss-of-function variants in DNAH8 are known to be pathogenic (PMID: 24307375). For these reasons, this variant has been classified as Pathogenic.

Literature cited by the submitters: PubMed 24307375.